The following is an entry in ClinVar:

NM_001184900.3(CARD8):c.505G>A (p.Asp169Asn)

Gene: CARD8 (caspase recruitment domain family member 8; minus strand). Cytogenetic location: 19q13.33.
Variant type: single nucleotide variant.
Coding change: c.505G>A on transcript NM_001184900.3 (MANE Select); coding-DNA position 505, G replaced by A.
Protein change: p.Asp169Asn; replaces aspartic acid 169 with asparagine.
Molecular consequence: missense variant. On other transcripts: non-coding transcript variant (4).
Genome position (GRCh38, 1-based): chr19:48,231,697, C>T on the plus strand (G>A on the coding strand, the complement: CARD8 is on the minus strand). VCF-style: chr19-48231697-C-T. GRCh37 (hg19) VCF-style: chr19-48734954-C-T.
Other names: c.262G>A, p.Asp88Asn (NM_001351790.2); c.190G>A, p.Asp64Asn (NM_001351791.2, NM_001351792.2, NM_001365950.1 and 2 more transcripts); c.-318G>A (NM_001426741.1); c.355G>A, p.Asp119Asn (NM_014959.5, NM_001184901.1, NM_001351783.2 and 2 more transcripts); c.505G>A, p.Asp169Asn (NM_001184902.2, NM_001184903.1, NM_001351782.2); c.169G>A, p.Asp57Asn (NM_001351786.2); short protein forms D57N, D88N, D119N, D64N, D169N.
Identifiers: ClinVar variation 2702627 (VCV002702627.3), dbSNP rs2514771797, ClinGen allele CA406644810.

ClinVar aggregate classification (germline): Uncertain significance (1 of 4 stars; one submission).

Submission:

Labcorp Genetics (formerly Invitae), Labcorp
Classification: Uncertain significance. Last evaluated: 2023-12-13. Review status: criteria provided, single submitter. Criteria: Invitae Variant Classification Sherloc (09022015). Collection method: clinical testing. Allele origin: germline.
Comment: This sequence change replaces aspartic acid, which is acidic and polar, with asparagine, which is neutral and polar, at codon 119 of the CARD8 protein (p.Asp119Asn). This variant is not present in population databases (gnomAD no frequency). This variant has not been reported in the literature in individuals affected with CARD8-related conditions. An algorithm developed to predict the effect of missense changes on protein structure and function (PolyPhen-2) suggests that this variant is likely to be disruptive. In summary, the available evidence is currently insufficient to determine the role of this variant in disease. Therefore, it has been classified as a Variant of Uncertain Significance.